The following is an entry in ClinVar:

NM_025114.4(CEP290):c.2988G>A (p.Leu996=)

Gene: CEP290 (centrosomal protein 290; minus strand). Cytogenetic location: 12q21.32.
Variant type: single nucleotide variant.
Coding change: c.2988G>A on transcript NM_025114.4 (MANE Select); coding-DNA position 2988, G replaced by A.
Protein change: p.Leu996=; no amino-acid change (leucine 996 retained).
Molecular consequence: synonymous variant.
Genome position (GRCh38, 1-based): chr12:88,102,841, C>T on the plus strand (G>A on the coding strand, the complement: CEP290 is on the minus strand). VCF-style: chr12-88102841-C-T. GRCh37 (hg19) VCF-style: chr12-88496618-C-T.
Identifiers: ClinVar variation 4996448 (VCV004996448.1).

ClinVar aggregate classification (germline): Likely benign (1 of 4 stars; one submission).

Conditions:
CEP290-related disorder. Also called: CEP290-related condition; CEP290-related disorders. Identifiers: MedGen CN239314.

gnomAD v4.1: 9 of 1,608,956 alleles (0.00056%); highest among the groups gnomAD compares: Non-Finnish European, 0.00076%; no homozygotes.

Submission:

PreventionGenetics, part of Exact Sciences
Classification: Likely benign for CEP290-related condition. Last evaluated: 2025-08-27. Review status: criteria provided, single submitter. Criteria: ACMG Guidelines, 2015. Collection method: clinical testing. Allele origin: germline.
Comment: This variant is classified as likely benign based on ACMG/AMP sequence variant interpretation guidelines (Richards et al. 2015 PMID: 25741868, with internal and published modifications).